The following is an entry in ClinVar:

ClinVar aggregate classification (germline): Conflicting classifications of pathogenicity. Review status: criteria provided, conflicting classifications (1 of 4 stars). 2 submissions from 2 submitters: Pathogenic (1); Uncertain significance (1). Last evaluated 2024-11-23.

Conditions:
Autoimmune lymphoproliferative syndrome type 2B. Also called: AUTOIMMUNE LYMPHOPROLIFERATIVE SYNDROME, TYPE IIB. Identifiers: Orphanet 275517, MedGen C1846545, MONDO:0011804, OMIM 607271.

Submissions (2):

GeneDx
Classification: Uncertain significance. Last evaluated: 2024-11-23. Review status: criteria provided, single submitter. Criteria: GeneDx Variant Classification Process June 2021. Collection method: clinical testing. Allele origin: germline. Affected: yes.
Comment: Frameshift variant predicted to result in protein truncation or nonsense mediated decay in a gene for which loss of function is a known mechanism of disease; Has not been previously published as pathogenic or benign to our knowledge

Labcorp Genetics (formerly Invitae), Labcorp
Classification: Pathogenic for Autoimmune lymphoproliferative syndrome type 2B. Last evaluated: 2024-05-04. Review status: criteria provided, single submitter. Criteria: Invitae Variant Classification Sherloc (09022015). Collection method: clinical testing. Allele origin: germline.
Comment: This sequence change creates a premature translational stop signal (p.Ala111Leufs*22) in the CASP8 gene. It is expected to result in an absent or disrupted protein product. Loss-of-function variants in CASP8 are known to be pathogenic (PMID: 12353035, 25814141). This variant is present in population databases (rs776712453, gnomAD 0.005%). This variant has not been reported in the literature in individuals affected with CASP8-related conditions. ClinVar contains an entry for this variant (Variation ID: 1355954). For these reasons, this variant has been classified as Pathogenic.

Literature cited by the submitters: PubMed 12353035 (cited by Labcorp Genetics (formerly Invitae), Labcorp); PubMed 25814141 (cited by Labcorp Genetics (formerly Invitae), Labcorp).

NM_001372051.1(CASP8):c.306-1981del

Gene: CASP8 (caspase 8; plus strand). Cytogenetic location: 2q33.1.
Variant type: Deletion.
Coding change: c.306-1981del on transcript NM_001372051.1 (MANE Select); 1981 bases into the intron before coding-DNA position 306, one base deleted (G; older notation c.306-1981delG).
Molecular consequence: intron variant. On other transcripts: frameshift variant (2).
Genome position (GRCh38, 1-based): chr2:201,269,535, G deleted; the last of 3 consecutive G bases (chr2:201,269,533-201,269,535); deleting any one gives the same sequence. VCF-style (leftmost placement, unchanged base first): chr2-201269532-TG-T. GRCh37 (hg19) VCF-style: chr2-202134255-TG-T.
Other names: c.306-1981del (NM_033356.4, NM_001400667.1, NM_001400653.1 and 20 more transcripts); c.-227-1981del (NM_001400676.1, NM_001400673.1, NM_001400672.1 and 6 more transcripts); c.483-1981del (NM_001080125.2, NM_001400642.1, NM_001400665.1); c.-4-1981del (NM_001400669.1); c.-306-1981del (NM_001400680.1); c.331delG, p.Ala111Leufs (NM_001228.4); c.331del, p.Ala111fs (NM_001228.5); c.331del (NM_001228.4); and 1 more; short protein forms A111fs.
Identifiers: ClinVar variation 1355954 (VCV001355954.7), dbSNP rs776712453, ClinGen allele CA2053495.